The following is an entry in ClinVar:

NM_000197.2(HSD17B3):c.105C>A (p.Tyr35Ter)

Genes: HSD17B3 (hydroxysteroid 17-beta dehydrogenase 3; minus strand), SLC35D2-HSD17B3 (SLC35D2-HSD17B3 readthrough; minus strand). Cytogenetic location: 9q22.32.
Variant type: single nucleotide variant.
Coding change: c.105C>A on transcript NM_000197.2 (MANE Select); coding-DNA position 105, C replaced by A.
Protein change: p.Tyr35Ter; replaces tyrosine 35 with a stop codon.
Molecular consequence: nonsense. On other transcripts: non-coding transcript variant (1).
Genome position (GRCh38, 1-based): chr9:96,302,000, G>T on the plus strand (C>A on the coding strand, the complement: HSD17B3 is on the minus strand). VCF-style: chr9-96302000-G-T. GRCh37 (hg19) VCF-style: chr9-99064282-G-T.
Other names: short protein forms Y35*.
Identifiers: ClinVar variation 2884763 (VCV002884763.4), dbSNP rs2490210465, ClinGen allele CA374126560.

ClinVar aggregate classification (germline): Pathogenic (1 of 4 stars; one submission).

Submission:

Labcorp Genetics (formerly Invitae), Labcorp
Classification: Pathogenic. Last evaluated: 2023-03-19. Review status: criteria provided, single submitter. Criteria: Invitae Variant Classification Sherloc (09022015). Collection method: clinical testing. Allele origin: germline.
Comment: This sequence change creates a premature translational stop signal (p.Tyr35*) in the HSD17B3 gene. It is expected to result in an absent or disrupted protein product. Loss-of-function variants in HSD17B3 are known to be pathogenic (PMID: 23796702, 25740850). This variant is not present in population databases (gnomAD no frequency). This variant has not been reported in the literature in individuals affected with HSD17B3-related conditions. For these reasons, this variant has been classified as Pathogenic.

Literature cited by the submitters: PubMed 23796702; PubMed 25740850.